The following is an entry in ClinVar:

ClinVar aggregate classification (germline): Conflicting classifications of pathogenicity. Review status: criteria provided, conflicting classifications (1 of 4 stars). 6 submissions from 3 submitters: Uncertain significance (1); Likely benign (5). Last evaluated 2025-12-08.

Conditions:
Autosomal dominant hypocalcemia 1 (HYPOC1). Also called: HYPOCALCEMIA, FAMILIAL. Identifiers: MedGen C3715128, MONDO:0011013, OMIM 601198.
Neonatal severe primary hyperparathyroidism. Identifiers: Orphanet 417, MedGen C1832615, MONDO:0009397, OMIM 239200.
Familial hypocalciuric hypercalcemia (FHH). Also called: Familial benign hypercalcemia. Identifiers: Orphanet 405, MedGen C1809471, MONDO:0018458.
Familial hypoparathyroidism. Also called: Familial isolated hypoparathyroidism. Identifiers: Orphanet 2238, MedGen C1832648, MONDO:0016390.
Nephrolithiasis/nephrocalcinosis. Identifiers: MedGen CN580796.
Familial hypocalciuric hypercalcemia 1. Also called: Hypercalcemia, familial benign type 1. Identifiers: Orphanet 405, Orphanet 93372, MedGen C0342637, MONDO:0007791, OMIM 145980.

Allele frequency attached by ClinVar (database versions not stated): gnomAD 0.00001; 1000 Genomes Project 30x 0.00016; 1000 Genomes Project 0.00020.
gnomAD v4.1: 1 of 1,614,166 alleles (0.000062%); highest among the groups gnomAD compares: East Asian, 0.0022%; no homozygotes.

Submissions (6):

Labcorp Genetics (formerly Invitae), Labcorp
Classification: Likely benign for Familial hypocalciuric hypercalcemia; Autosomal dominant hypocalcemia 1. Last evaluated: 2025-12-08. Review status: criteria provided, single submitter. Criteria: Invitae Variant Classification Sherloc (09022015). Collection method: clinical testing. Allele origin: germline.

Ambry Genetics
Classification: Uncertain significance for Nephrolithiasis/nephrocalcinosis. Last evaluated: 2024-08-21. Review status: criteria provided, single submitter. Criteria: Ambry Variant Classification Scheme 2023. Collection method: clinical testing. Allele origin: germline.
Comment: The p.K336N variant (also known as c.1008G>C), located in coding exon 3 of the CASR gene, results from a G to C substitution at nucleotide position 1008. The lysine at codon 336 is replaced by asparagine, an amino acid with similar properties. This amino acid position is well conserved in available vertebrate species. In addition, this alteration is predicted to be tolerated by in silico analysis. Based on the available evidence, the clinical significance of this variant remains unclear.

Illumina Laboratory Services, Illumina
Classification: Likely benign for Autosomal dominant hypocalcemia 1. Last evaluated: 2017-04-28. Review status: criteria provided, single submitter. Criteria: ICSL Variant Classification Criteria 13 December 2019. Collection method: clinical testing. Allele origin: germline.
Comment: This variant was observed as part of a predisposition screen in an ostensibly healthy population. A literature search was performed for the gene, cDNA change, and amino acid change (where applicable). No publications were found based on this search. Allele frequency data from public databases allowed determination this variant is unlikely to cause disease. Therefore, this variant is classified as likely benign.

Illumina Laboratory Services, Illumina
Classification: Likely benign for Familial isolated hypoparathyroidism. Last evaluated: 2017-04-28. Review status: criteria provided, single submitter. Criteria: ICSL Variant Classification Criteria 13 December 2019. Collection method: clinical testing. Allele origin: germline.
Comment: the same text as in the submission from Illumina Laboratory Services, Illumina above.

Illumina Laboratory Services, Illumina
Classification: Likely benign for Familial hypocalciuric hypercalcemia 1. Last evaluated: 2017-04-28. Review status: criteria provided, single submitter. Criteria: ICSL Variant Classification Criteria 13 December 2019. Collection method: clinical testing. Allele origin: germline.
Comment: the same text as in the submission from Illumina Laboratory Services, Illumina above.

Illumina Laboratory Services, Illumina
Classification: Likely benign for Neonatal severe primary hyperparathyroidism. Last evaluated: 2017-04-28. Review status: criteria provided, single submitter. Criteria: ICSL Variant Classification Criteria 13 December 2019. Collection method: clinical testing. Allele origin: germline.
Comment: the same text as in the submission from Illumina Laboratory Services, Illumina above.

NM_000388.4(CASR):c.1008G>C (p.Lys336Asn)

Gene: CASR (calcium sensing receptor; plus strand). Cytogenetic location: 3q21.1.
Variant type: single nucleotide variant.
Coding change: c.1008G>C on transcript NM_000388.4 (MANE Select); coding-DNA position 1008, G replaced by C.
Protein change: p.Lys336Asn; replaces lysine 336 with asparagine.
Molecular consequence: missense variant.
Genome position (GRCh38, 1-based): chr3:122,262,043, G>C. VCF-style: chr3-122262043-G-C. GRCh37 (hg19) VCF-style: chr3-121980890-G-C.
Other names: c.1008G>C, p.Lys336Asn (NM_001178065.2); short protein forms K336N.
Identifiers: ClinVar variation 342798 (VCV000342798.16), dbSNP rs548403340, ClinGen allele CA2569573.